The following is an entry in ClinVar:

NM_018706.7(DHTKD1):c.717+5G>A

Gene: DHTKD1 (dehydrogenase E1 and transketolase domain containing 1; plus strand). Cytogenetic location: 10p14.
Variant type: single nucleotide variant.
Coding change: c.717+5G>A on transcript NM_018706.7 (MANE Select); 5 bases into the intron after coding-DNA position 717, G replaced by A.
Molecular consequence: intron variant.
Genome position (GRCh38, 1-based): chr10:12,087,734, G>A. VCF-style: chr10-12087734-G-A. GRCh37 (hg19) VCF-style: chr10-12129733-G-A.
Identifiers: ClinVar variation 4754761 (VCV004754761.1).

ClinVar aggregate classification (germline): Uncertain significance (1 of 4 stars; one submission).

Conditions:
2-aminoadipic 2-oxoadipic aciduria (AAKAD). Also called: Aminoadipic aciduria; ALPHA-AMINOADIPIC AND ALPHA-KETOADIPIC ACIDURIA. Identifiers: Orphanet 79154, MedGen C1859817, MONDO:0008774, OMIM 204750.

gnomAD v4.1: 8 of 1,578,614 alleles (0.00051%); highest among the groups gnomAD compares: Non-Finnish European, 0.00069%; no homozygotes.

Submission:

Labcorp Genetics (formerly Invitae), Labcorp
Classification: Uncertain significance for 2-aminoadipic 2-oxoadipic aciduria. Last evaluated: 2025-04-29. Review status: criteria provided, single submitter. Criteria: Invitae Variant Classification Sherloc (09022015). Collection method: clinical testing. Allele origin: germline.
Comment: This sequence change falls in intron 4 of the DHTKD1 gene. It does not directly change the encoded amino acid sequence of the DHTKD1 protein. It affects a nucleotide within the consensus splice site. This variant is present in population databases (no rsID available, gnomAD 0.001%). This variant has been observed in individual(s) with clinical features of DHTKD1-related conditions (internal data). Variants that disrupt the consensus splice site are a relatively common cause of aberrant splicing (PMID: 17576681, 9536098). Algorithms developed to predict the effect of sequence changes on RNA splicing suggest that this variant is not likely to affect RNA splicing. In summary, the available evidence is currently insufficient to determine the role of this variant in disease. Therefore, it has been classified as a Variant of Uncertain Significance.

Literature cited by the submitters: PubMed 17576681; PubMed 9536098.